The following is an entry in ClinVar:

ClinVar aggregate classification (germline): Uncertain significance (1 of 4 stars; one submission).

Conditions:
Cardiomyopathy (CMYO). Also called: Cardiomyopathies. Identifiers: Orphanet 167848, MedGen C0878544, MONDO:0004994, HP:0001638. Inheritance: Various modes of inheritance.

Submission:

Color Diagnostics, LLC DBA Color Health
Classification: Uncertain significance for Cardiomyopathy. Last evaluated: 2025-05-30. Review status: criteria provided, single submitter. Criteria: ACMG Guidelines, 2015. Collection method: clinical testing. Allele origin: germline.
Comment: This missense variant replaces serine with proline at codon 66 of the DSC2 protein. Computational prediction suggests that this variant may not impact protein structure and function. To our knowledge, functional studies have not been reported for this variant. This variant has not been reported in individuals affected with DSC2-related disorders in the literature. This variant has not been identified in the general population by the Genome Aggregation Database (gnomAD). The available evidence is insufficient to determine the role of this variant in disease conclusively. Therefore, this variant is classified as a Variant of Uncertain Significance.

NM_024422.6(DSC2):c.196T>C (p.Ser66Pro)

Gene: DSC2 (desmocollin 2; minus strand). Cytogenetic location: 18q12.1.
Variant type: single nucleotide variant.
Coding change: c.196T>C on transcript NM_024422.6 (MANE Select); coding-DNA position 196, T replaced by C.
Protein change: p.Ser66Pro; replaces serine 66 with proline.
Molecular consequence: missense variant. On other transcripts: 5 prime UTR variant (2).
Genome position (GRCh38, 1-based): chr18:31,092,259, A>G on the plus strand (T>C on the coding strand, the complement: DSC2 is on the minus strand). VCF-style: chr18-31092259-A-G. GRCh37 (hg19) VCF-style: chr18-28672222-A-G.
Other names: c.-234T>C (NM_001406506.1, NM_001406507.1); c.196T>C, p.Ser66Pro (NM_004949.5); short protein forms S66P.
Identifiers: ClinVar variation 4756712 (VCV004756712.1).